The following is an entry in ClinVar:

ClinVar aggregate classification (germline): Pathogenic (1 of 4 stars; one submission).

Conditions:
Charcot-Marie-Tooth disease type 4. Also called: Charcot-Marie-Tooth, Type 4; Charcot-Marie-Tooth disease, type IV. Identifiers: Orphanet 64749, MedGen C4082197, MONDO:0018995.

Allele frequency attached by ClinVar (database versions not stated): TOPMed below 0.00001; gnomAD 0.00001; gnomAD exomes 0.00002.

Submission:

Labcorp Genetics (formerly Invitae), Labcorp
Classification: Pathogenic for Charcot-Marie-Tooth disease type 4. Last evaluated: 2024-04-29. Review status: criteria provided, single submitter. Criteria: Invitae Variant Classification Sherloc (09022015). Collection method: clinical testing. Allele origin: germline.
Comment: This sequence change creates a premature translational stop signal (p.Glu1034Glyfs*10) in the PRX gene. While this is not anticipated to result in nonsense mediated decay, it is expected to disrupt the last 428 amino acid(s) of the PRX protein. This variant is not present in population databases (gnomAD no frequency). This variant has not been reported in the literature in individuals affected with PRX-related conditions. ClinVar contains an entry for this variant (Variation ID: 1392880). This variant disrupts a region of the PRX protein in which other variant(s) (p.Arg1070*) have been determined to be pathogenic (PMID: 15197604, 15469949, 16770524, 22847150, 26059842). This suggests that this is a clinically significant region of the protein, and that variants that disrupt it are likely to be disease-causing. For these reasons, this variant has been classified as Pathogenic.

Literature cited by the submitters: PubMed 15197604; PubMed 15469949; PubMed 16770524; PubMed 22847150; PubMed 26059842.

NM_181882.3(PRX):c.3099_3100del (p.Glu1034fs)

Gene: PRX (periaxin; minus strand). Cytogenetic location: 19q13.2.
Variant type: Deletion.
Coding change: c.3099_3100del on transcript NM_181882.3 (MANE Select); coding-DNA positions 3099 to 3100, 2 bases deleted (TG; older notation c.3099_3100delTG).
Protein change: p.Glu1034fs; shifts the reading frame from glutamic acid 1034.
Molecular consequence: frameshift variant. On other transcripts: 3 prime UTR variant (1).
Genome position (GRCh38, 1-based): chr19:40,395,252-40,395,253, CA deleted on the plus strand (TG on the coding strand, the reverse complement: PRX is on the minus strand). VCF-style (leftmost placement, unchanged base first): chr19-40395251-TCA-T. GRCh37 (hg19) VCF-style: chr19-40901158-TCA-T.
Other names: c.*3304_*3305del (NM_020956.2); short protein forms E1034fs.
Identifiers: ClinVar variation 1392880 (VCV001392880.8), dbSNP rs1474525486, ClinGen allele CA882214751.